The following is an entry in ClinVar:

NM_001005242.3(PKP2):c.1389G>A (p.Trp463Ter)

Gene: PKP2 (plakophilin 2; minus strand). Cytogenetic location: 12p11.21.
Variant type: single nucleotide variant.
Coding change: c.1389G>A on transcript NM_001005242.3 (MANE Select); coding-DNA position 1389, G replaced by A.
Protein change: p.Trp463Ter; replaces tryptophan 463 with a stop codon.
Molecular consequence: nonsense.
Genome position (GRCh38, 1-based): chr12:32,841,195, C>T on the plus strand (G>A on the coding strand, the complement: PKP2 is on the minus strand). VCF-style: chr12-32841195-C-T. GRCh37 (hg19) VCF-style: chr12-32994129-C-T.
Other names: c.1521G>A, p.Trp507Ter (NM_001407157.1, NM_004572.4); c.1062G>A, p.Trp354Ter (NM_001407158.1, NM_001407159.1, NM_001407160.1 and 1 more transcripts); c.1389G>A, p.Trp463Ter (NM_001407161.1, NM_001407155.1, NM_001407156.1); short protein forms W354*, W463*, W507*.
Identifiers: ClinVar variation 2029934 (VCV002029934.4), dbSNP rs1204333387, ClinGen allele CA384368151.

ClinVar aggregate classification (germline): Pathogenic (1 of 4 stars; one submission).

Conditions:
Arrhythmogenic right ventricular dysplasia 9 (ARVD9). Also called: Arrhythmogenic Right Ventricular Dysplasia/Cardiomyopathy 9; ARRHYTHMOGENIC RIGHT VENTRICULAR DYSPLASIA, FAMILIAL, 9. Identifiers: MedGen C1836906, MONDO:0012180, OMIM 609040.

Allele frequency attached by ClinVar (database versions not stated): gnomAD exomes below 0.00001.
gnomAD v4.1: 2 of 1,613,006 alleles (0.00012%); highest among the groups gnomAD compares: Admixed American, 0.0017%; no homozygotes.

Submission:

Labcorp Genetics (formerly Invitae), Labcorp
Classification: Pathogenic for Arrhythmogenic right ventricular dysplasia 9. Last evaluated: 2022-09-10. Review status: criteria provided, single submitter. Criteria: Invitae Variant Classification Sherloc (09022015). Collection method: clinical testing. Allele origin: germline.
Comment: For these reasons, this variant has been classified as Pathogenic. This variant has not been reported in the literature in individuals affected with PKP2-related conditions. This variant is present in population databases (no rsID available, gnomAD 0.003%). This sequence change creates a premature translational stop signal (p.Trp507*) in the PKP2 gene. It is expected to result in an absent or disrupted protein product. Loss-of-function variants in PKP2 are known to be pathogenic (PMID: 15489853, 23911551).

Literature cited by the submitters: PubMed 15489853; PubMed 23911551.